The following is an entry in ClinVar:

NM_170601.5(SIAE):c.950C>T (p.Pro317Leu)

Gene: SIAE (sialic acid acetylesterase; minus strand). Cytogenetic location: 11q24.2.
Variant type: single nucleotide variant.
Coding change: c.950C>T on transcript NM_170601.5 (MANE Select); coding-DNA position 950, C replaced by T.
Protein change: p.Pro317Leu; replaces proline 317 with leucine.
Molecular consequence: missense variant.
Genome position (GRCh38, 1-based): chr11:124,647,381, G>A on the plus strand (C>T on the coding strand, the complement: SIAE is on the minus strand). VCF-style: chr11-124647381-G-A. GRCh37 (hg19) VCF-style: chr11-124517277-G-A.
Other names: c.845C>T, p.Pro282Leu (NM_001199922.2); short protein forms P282L, P317L.
Identifiers: ClinVar variation 1489886 (VCV001489886.6), dbSNP rs952884180, ClinGen allele CA383148289.
Genomic context (GRCh38, chr11:124,647,381, plus strand): 5'-AACAGGTGTTGACATGAACAGAGAAGCCTTTACCCACATCGTACCTGGACAAGTCCAAAT[G>A]GGAAGAAACGCTCCGTCTGCCCCTGGGAACCACGGTGGAAGGTTTCACGCCAGTCTTCGA-3'
Protein context (NP_733746.1, residues 307-327): GSQGQTERFF[Pro317Leu]FGLVQLSSDL

ClinVar aggregate classification (germline): Uncertain significance (1 of 4 stars; one submission).

Submission:

Labcorp Genetics (formerly Invitae), Labcorp
Classification: Uncertain significance. Last evaluated: 2022-02-24. Review status: criteria provided, single submitter. Criteria: Invitae Variant Classification Sherloc (09022015). Collection method: clinical testing. Allele origin: germline.
Comment: Algorithms developed to predict the effect of missense changes on protein structure and function (SIFT, PolyPhen-2, Align-GVGD) all suggest that this variant is likely to be disruptive. This variant has not been reported in the literature in individuals affected with SIAE-related conditions. This variant is not present in population databases (gnomAD no frequency). This sequence change replaces proline, which is neutral and non-polar, with leucine, which is neutral and non-polar, at codon 317 of the SIAE protein (p.Pro317Leu). In summary, the available evidence is currently insufficient to determine the role of this variant in disease. Therefore, it has been classified as a Variant of Uncertain Significance.